The following is an entry in ClinVar:

NM_032447.5(FBN3):c.3346G>T (p.Glu1116Ter)

Gene: FBN3 (fibrillin 3; minus strand). Cytogenetic location: 19p13.2.
Variant type: single nucleotide variant.
Coding change: c.3346G>T on transcript NM_032447.5 (MANE Select); coding-DNA position 3346, G replaced by T.
Protein change: p.Glu1116Ter; replaces glutamic acid 1116 with a stop codon.
Molecular consequence: nonsense.
Genome position (GRCh38, 1-based): chr19:8,117,581, C>A on the plus strand (G>T on the coding strand, the complement: FBN3 is on the minus strand). VCF-style: chr19-8117581-C-A. GRCh37 (hg19) VCF-style: chr19-8182465-C-A.
Other names: c.3346G>T, p.Glu1116Ter (NM_001321431.2); short protein forms E1116*.
Identifiers: ClinVar variation 2769447 (VCV002769447.3), dbSNP rs2512832333, ClinGen allele CA403687899.

ClinVar aggregate classification (germline): Uncertain significance (1 of 4 stars; one submission).

Submission:

Labcorp Genetics (formerly Invitae), Labcorp
Classification: Uncertain significance. Last evaluated: 2024-01-25. Review status: criteria provided, single submitter. Criteria: Invitae Variant Classification Sherloc (09022015). Collection method: clinical testing. Allele origin: germline.
Comment: This sequence change creates a premature translational stop signal (p.Glu1116*) in the FBN3 gene. It is expected to result in an absent or disrupted protein product. However, the current clinical and genetic evidence is not sufficient to establish whether loss-of-function variants in FBN3 cause disease. This variant is not present in population databases (gnomAD no frequency). This variant has not been reported in the literature in individuals affected with FBN3-related conditions. Algorithms developed to predict the effect of sequence changes on RNA splicing suggest that this variant may disrupt the consensus splice site. In summary, the available evidence is currently insufficient to determine the role of this variant in disease. Therefore, it has been classified as a Variant of Uncertain Significance.